The following is an entry in ClinVar:

ClinVar aggregate classification (germline): Uncertain significance (1 of 4 stars; one submission).

Submission:

Labcorp Genetics (formerly Invitae), Labcorp
Classification: Uncertain significance. Last evaluated: 2021-07-27. Review status: criteria provided, single submitter. Criteria: Invitae Variant Classification Sherloc (09022015). Collection method: clinical testing. Allele origin: germline.
Comment: In summary, the available evidence is currently insufficient to determine the role of this variant in disease. Therefore, it has been classified as a Variant of Uncertain Significance. Algorithms developed to predict the effect of missense changes on protein structure and function are either unavailable or do not agree on the potential impact of this missense change (SIFT: "Deleterious"; PolyPhen-2: "Benign"; Align-GVGD: "Class C0"). This variant has not been reported in the literature in individuals affected with PRDM13-related conditions. This variant is not present in population databases (ExAC no frequency). This sequence change replaces glycine with arginine at codon 214 of the PRDM13 protein (p.Gly214Arg). The glycine residue is weakly conserved and there is a moderate physicochemical difference between glycine and arginine.

NM_021620.4(PRDM13):c.640G>C (p.Gly214Arg)

Gene: PRDM13 (PR/SET domain 13; plus strand). Cytogenetic location: 6q16.2.
Variant type: single nucleotide variant.
Coding change: c.640G>C on transcript NM_021620.4 (MANE Select); coding-DNA position 640, G replaced by C.
Protein change: p.Gly214Arg; replaces glycine 214 with arginine.
Molecular consequence: missense variant.
Genome position (GRCh38, 1-based): chr6:99,613,275, G>C. VCF-style: chr6-99613275-G-C. GRCh37 (hg19) VCF-style: chr6-100061151-G-C.
Other names: short protein forms G214R.
Identifiers: ClinVar variation 1383945 (VCV001383945.6), dbSNP rs2114499770, ClinGen allele CA365115834.
Genomic context (GRCh38, chr6:99,613,275, plus strand): 5'-CCCCCGGCGCCCGATTTCGCCGCGCCTTCCCAGGCAGGAACTTTGCGACCCCACCCCCTG[G>C]GCCCGCCACCAGTTCAGGCCTGCGGTGCGCGGGAGGGCATCAAGCGCGAGGCCTCTTCCG-3'
Protein context (NP_067633.2, residues 204-224): QAGTLRPHPL[Gly214Arg]PPPVQACGAR